The following is an entry in ClinVar:

ClinVar aggregate classification (germline): Uncertain significance (1 of 4 stars; one submission).

Conditions:
Hereditary cancer-predisposing syndrome. Also called: Neoplastic Syndromes, Hereditary; Tumor predisposition; Hereditary neoplastic syndrome; Hereditary Cancer Syndrome. Identifiers: Orphanet 140162, MedGen C0027672, MeSH D009386, MONDO:0015356.

Submission:

Ambry Genetics
Classification: Uncertain significance for Hereditary cancer-predisposing syndrome. Last evaluated: 2026-08-23. Review status: criteria provided, single submitter. Criteria: Ambry Variant Classification Scheme 2023. Collection method: clinical testing. Allele origin: germline.
Comment: The p.V239A variant (also known as c.716T>C), located in coding exon 7 of the FANCC gene, results from a T to C substitution at nucleotide position 716. The valine at codon 239 is replaced by alanine, an amino acid with similar properties. This amino acid position is conserved. In addition, the in silico prediction for this alteration is inconclusive. Based on the available evidence, the clinical significance of this variant remains unclear.

NM_000136.3(FANCC):c.716T>C (p.Val239Ala)

Genes: AOPEP (aminopeptidase O (putative); plus strand), FANCC (FA complementation group C; minus strand). Cytogenetic location: 9q22.32.
Variant type: single nucleotide variant.
Coding change: c.716T>C on transcript NM_000136.3 (MANE Select); coding-DNA position 716, T replaced by C.
Protein change: p.Val239Ala; replaces valine 239 with alanine.
Molecular consequence: missense variant.
Genome position (GRCh38, 1-based): chr9:95,135,473, A>G on the plus strand (T>C on the coding strand, the complement: FANCC is on the minus strand). VCF-style: chr9-95135473-A-G. GRCh37 (hg19) VCF-style: chr9-97897755-A-G.
Other names: c.716T>C, p.Val239Ala (NM_001243743.2, NM_001243744.2); short protein forms V239A.
Identifiers: ClinVar variation 5036483 (VCV005036483.1).